The following is an entry in ClinVar:

NM_000186.4(CFH):c.2821G>T (p.Val941Phe)

Gene: CFH (complement factor H; plus strand). Cytogenetic location: 1q31.3.
Variant type: single nucleotide variant.
Coding change: c.2821G>T on transcript NM_000186.4 (MANE Select); coding-DNA position 2821, G replaced by T.
Protein change: p.Val941Phe; replaces valine 941 with phenylalanine.
Molecular consequence: missense variant.
Genome position (GRCh38, 1-based): chr1:196,740,657, G>T. VCF-style: chr1-196740657-G-T. GRCh37 (hg19) VCF-style: chr1-196709787-G-T.
Other names: short protein forms V941F.
Identifiers: ClinVar variation 1600648 (VCV001600648.12), dbSNP rs529491401, ClinGen allele CA1305757.

ClinVar aggregate classification (germline): Benign/Likely benign. Review status: criteria provided, multiple submitters, no conflicts (2 of 4 stars). 7 submissions from 4 submitters: Benign (1); Likely benign (6). Last evaluated 2026-09-17.

Conditions:
Factor H deficiency (CFHD). Also called: COMPLEMENT FACTOR H DEFICIENCY; CFH DEFICIENCY. Identifiers: Orphanet 200421, MedGen C0398777, MONDO:0012350, OMIM 609814.
Age related macular degeneration 4. Identifiers: MedGen C1853147, MONDO:0012540, OMIM 610698.
Basal laminar drusen. Also called: DRUSEN OF BRUCH MEMBRANE; DRUSEN, CUTICULAR; DRUSEN, EARLY ADULT-ONSET, GROUPED. Identifiers: Orphanet 75376, MedGen C0730295, MONDO:0007472, OMIM 126700.
Hemolytic uremic syndrome, atypical, susceptibility to, 1. Also called: AHUS, SUSCEPTIBILITY TO, 1. Identifiers: Orphanet 2134, Orphanet 90038, MedGen C2749604, MONDO:0009335, OMIM 235400. Disease mechanism: Other.
Atypical hemolytic-uremic syndrome. Identifiers: Orphanet 2134, MedGen C2931788, MONDO:0016244.

Allele frequency attached by ClinVar (database versions not stated): TOPMed 0.00002; gnomAD 0.00009; gnomAD exomes 0.00023 and 0.00039; ExAC 0.00042; 1000 Genomes Project 0.00060; 1000 Genomes Project 30x 0.00062.
gnomAD v4.1: 350 of 1,613,712 alleles (0.022%); highest among the groups gnomAD compares: South Asian, 0.36%; 2 homozygotes.

Submissions (7):

Genomenon, Inc
Classification: Likely benign for Age related macular degeneration 4; Atypical hemolytic-uremic syndrome; Factor H deficiency; Basal laminar drusen. Last evaluated: 2026-09-17. Review status: criteria provided, single submitter. Criteria: Genomenon Sequence Variant Interpretation Standards - Updated. Collection method: curation. Allele origin: germline. Affected: no.
Comment: CFH p.Val941Phe (c.2821G>T) is a missense variant that changes the amino acid at codon 941 from valine to phenylalanine. This variant has been reported in the published literature (PMID: 25341722). In silico models predict that this variant is not damaging. This variant's allele frequency in gnomAD is greater than expected for this disorder. In conclusion, we classify CFH p.Val941Phe (c.2821G>T) as a likely benign variant.

Labcorp Genetics (formerly Invitae), Labcorp
Classification: Benign. Last evaluated: 2025-11-19. Review status: criteria provided, single submitter. Criteria: Invitae Variant Classification Sherloc (09022015). Collection method: clinical testing. Allele origin: germline.

Genome-Nilou Lab
Classification: Likely benign for Hemolytic uremic syndrome, atypical, susceptibility to, 1. Last evaluated: 2023-04-11. Review status: criteria provided, single submitter. Criteria: ACMG Guidelines, 2015. Collection method: clinical testing. Allele origin: germline. Affected: no.

Genome-Nilou Lab
Classification: Likely benign for Age related macular degeneration 4. Last evaluated: 2023-04-11. Review status: criteria provided, single submitter. Criteria: ACMG Guidelines, 2015. Collection method: clinical testing. Allele origin: germline. Affected: no.

Genome-Nilou Lab
Classification: Likely benign for Basal laminar drusen. Last evaluated: 2023-04-11. Review status: criteria provided, single submitter. Criteria: ACMG Guidelines, 2015. Collection method: clinical testing. Allele origin: germline. Affected: no.

Genome-Nilou Lab
Classification: Likely benign for Factor H deficiency. Last evaluated: 2023-04-11. Review status: criteria provided, single submitter. Criteria: ACMG Guidelines, 2015. Collection method: clinical testing. Allele origin: germline. Affected: no.

Fulgent Genetics
Classification: Likely benign for Basal laminar drusen; Hemolytic uremic syndrome, atypical, susceptibility to, 1; Factor H deficiency; Age related macular degeneration 4. Last evaluated: 2021-09-14. Review status: criteria provided, single submitter. Criteria: ACMG Guidelines, 2015. Collection method: clinical testing. Allele origin: unknown.

Literature cited by the submitters: PubMed 25341722 (cited by Genomenon, Inc).